The following is an entry in ClinVar:

NM_007126.5(VCP):c.1194+3G>A

Gene: VCP (valosin containing protein; minus strand). Cytogenetic location: 9p13.3.
Variant type: single nucleotide variant.
Coding change: c.1194+3G>A on transcript NM_007126.5 (MANE Select); 3 bases into the intron after coding-DNA position 1194, G replaced by A.
Molecular consequence: intron variant.
Genome position (GRCh38, 1-based): chr9:35,061,574, C>T on the plus strand (G>A on the coding strand, the complement: VCP is on the minus strand). VCF-style: chr9-35061574-C-T. GRCh37 (hg19) VCF-style: chr9-35061571-C-T.
Other names: p.?; c.1059+3G>A (NM_001354927.2, NM_001354928.2).
Identifiers: ClinVar variation 565903 (VCV000565903.24), dbSNP rs183223259, ClinGen allele CA5039304.

ClinVar aggregate classification (germline): Conflicting classifications of pathogenicity. Review status: criteria provided, conflicting classifications (1 of 4 stars). 8 submissions from 8 submitters: Uncertain significance (3); Likely benign (4). 1 of the submissions does not count toward it. Last evaluated 2025-09-24.

Conditions:
Frontotemporal dementia and/or amyotrophic lateral sclerosis 6 (FTDALS6). Also called: VCP-Related Amyotrophic Lateral Sclerosis/Frontotemporal Dementia; VCP-Related Amyotrophic Lateral Sclerosis. Identifiers: Orphanet 275872, Orphanet 803, MedGen C5436279, MONDO:0013501, OMIM 613954.
Inclusion body myopathy with Paget disease of bone and frontotemporal dementia. Also called: Inclusion body myopathy with early-onset Paget disease and frontotemporal dementia. Identifiers: Orphanet 52430, MedGen C1833662, MONDO:0000507.
VCP-related disorder. Also called: VCP-related condition; VCP-related disorders.
Inborn genetic diseases. Identifiers: MedGen C0950123, MeSH D030342.
Inclusion body myopathy with Paget disease of bone and frontotemporal dementia type 1. Also called: MULTISYSTEM PROTEINOPATHY 1; Inclusion body myopathy with early-onset Paget disease and frontotemporal dementia 1; Inclusion body myopathy with early-onset Paget disease with or without frontotemporal dementia 1. Identifiers: MedGen C4551951, MONDO:0008178, OMIM 167320.
Charcot-Marie-Tooth disease type 2Y. Also called: CHARCOT-MARIE-TOOTH DISEASE, AXONAL, AUTOSOMAL DOMINANT, TYPE 2Y; CHARCOT-MARIE-TOOTH NEUROPATHY, TYPE 2Y; Charcot-Marie-Tooth disease, axonal, type 2y. Identifiers: Orphanet 435387, MedGen C5569026, MONDO:0014735, OMIM 616687.

Allele frequency attached by ClinVar (database versions not stated): TOPMed 0.00007; gnomAD 0.00008 and 0.00009; 1000 Genomes Project 30x 0.00016; gnomAD exomes 0.00018 and 0.00021; 1000 Genomes Project 0.00020; ExAC 0.00028.
gnomAD v4.1: 265 of 1,613,382 alleles (0.016%); highest among the groups gnomAD compares: Non-Finnish European, 0.018%; no homozygotes.

Submissions (8):

Mayo Clinic Laboratories, Mayo Clinic
Classification: Likely benign. Last evaluated: 2025-09-24. Review status: criteria provided, single submitter. Criteria: ACMG Guidelines, 2015. Collection method: clinical testing. Allele origin: germline. Observed: 2 variant alleles.
Comment: BS2, BP4, BP7

Labcorp Genetics (formerly Invitae), Labcorp
Classification: Uncertain significance for Inclusion body myopathy with Paget disease of bone and frontotemporal dementia; Frontotemporal dementia and/or amyotrophic lateral sclerosis 6. Last evaluated: 2025-06-11. Review status: criteria provided, single submitter. Criteria: Invitae Variant Classification Sherloc (09022015). Collection method: clinical testing. Allele origin: germline.
Comment: This sequence change falls in intron 10 of the VCP gene. It does not directly change the encoded amino acid sequence of the VCP protein. It affects a nucleotide within the consensus splice site. This variant is present in population databases (rs183223259, gnomAD 0.06%), and has an allele count higher than expected for a pathogenic variant. This variant has been observed in individual(s) with amyotrophic lateral sclerosis with frontotemporal dementia (PMID: 27790088). ClinVar contains an entry for this variant (Variation ID: 565903). Variants that disrupt the consensus splice site are a relatively common cause of aberrant splicing (PMID: 17576681, 9536098). Algorithms developed to predict the effect of sequence changes on RNA splicing suggest that this variant is not likely to affect RNA splicing. In summary, the available evidence is currently insufficient to determine the role of this variant in disease. Therefore, it has been classified as a Variant of Uncertain Significance.

Blueprint Genetics
Classification: Likely benign. Last evaluated: 2024-08-26. Review status: criteria provided, single submitter. Criteria: ACMG Guidelines, 2015. Collection method: clinical testing. Allele origin: germline.

Revvity Omics, Revvity
Classification: Uncertain significance. Last evaluated: 2023-08-28. Review status: criteria provided, single submitter. Criteria: ACMG Guidelines, 2015. Collection method: clinical testing. Allele origin: germline.

Ambry Genetics
Classification: Likely benign for Inborn genetic diseases. Last evaluated: 2019-10-01. Review status: criteria provided, single submitter. Criteria: Ambry Variant Classification Scheme 2023. Collection method: clinical testing. Allele origin: germline.

GeneDx
Classification: Likely benign. Last evaluated: 2019-03-18. Review status: criteria provided, single submitter. Criteria: GeneDx Variant Classification Process June 2021. Collection method: clinical testing. Allele origin: germline. Affected: yes.
Comment: See Variant Classification Assertion Criteria.

Eurofins Ntd Llc (ga)
Classification: Uncertain significance. Last evaluated: 2018-06-12. Review status: criteria provided, single submitter. Criteria: EGL ClinVar v180209 classification definitions. Collection method: clinical testing. Allele origin: germline. Observed: 1 variant allele, 1 heterozygote.

PreventionGenetics, part of Exact Sciences
Classification: Likely benign for VCP-related condition. Last evaluated: 2023-05-31. Review status: no assertion criteria provided. Collection method: clinical testing. Allele origin: germline. Not counted in ClinVar's aggregate classification.
Comment: This variant is classified as likely benign based on ACMG/AMP sequence variant interpretation guidelines (Richards et al. 2015 PMID: 25741868, with internal and published modifications).

Literature cited by the submitters: PubMed 27790088 (cited by Mayo Clinic Laboratories, Mayo Clinic and Labcorp Genetics (formerly Invitae), Labcorp); PubMed 17576681 (cited by Labcorp Genetics (formerly Invitae), Labcorp); PubMed 9536098 (cited by Labcorp Genetics (formerly Invitae), Labcorp).